The following is an entry in ClinVar:

NM_000051.4(ATM):c.762A>G (p.Leu254=)

Gene: ATM (ATM serine/threonine kinase; plus strand). Cytogenetic location: 11q22.3.
Variant type: single nucleotide variant.
Coding change: c.762A>G on transcript NM_000051.4 (MANE Select); coding-DNA position 762, A replaced by G.
Protein change: p.Leu254=; no amino-acid change (leucine 254 retained).
Molecular consequence: synonymous variant.
Genome position (GRCh38, 1-based): chr11:108,244,887, A>G. VCF-style: chr11-108244887-A-G. GRCh37 (hg19) VCF-style: chr11-108115614-A-G.
Other names: c.762A>G, p.Leu254= (NM_001351834.2).
Identifiers: ClinVar variation 453694 (VCV000453694.21), dbSNP rs1313709939, ClinGen allele CA476744709.

ClinVar aggregate classification (germline): Benign/Likely benign. Review status: criteria provided, multiple submitters, no conflicts (2 of 4 stars). 5 submissions from 5 submitters: Benign (1); Likely benign (4). Last evaluated 2025-09-28.

Conditions:
Hereditary cancer-predisposing syndrome. Also called: Tumor predisposition; Hereditary Cancer Syndrome; Neoplastic Syndromes, Hereditary; Hereditary neoplastic syndrome. Identifiers: Orphanet 140162, MedGen C0027672, MeSH D009386, MONDO:0015356.
Familial cancer of breast. Also called: Hereditary breast cancer; hereditary breast carcinoma; BREAST CANCER, FAMILIAL. Identifiers: Orphanet 227535, MedGen C0346153, MONDO:0016419, OMIM 114480. Disease mechanism: loss of function.
Ataxia-telangiectasia syndrome (AT). Also called: Cerebello-oculocutaneous telangiectasia; Immunodeficiency with ataxia telangiectasia; Ataxia-telangiectasia, complementation group D; AT, COMPLEMENTATION GROUP C; Ataxia-telangiectasia, complementation group E; LOUIS-BAR SYNDROME. Identifiers: Orphanet 100, MedGen C0004135, MONDO:0008840, OMIM 208900.

Allele frequency attached by ClinVar (database versions not stated): gnomAD exomes below 0.00001 and 0.00001; TOPMed below 0.00001; gnomAD 0.00001.
gnomAD v4.1: 5 of 1,613,736 alleles (0.00031%); highest among the groups gnomAD compares: Non-Finnish European, 0.00042%; no homozygotes.

Submissions (5):

Labcorp Genetics (formerly Invitae), Labcorp
Classification: Likely benign for Ataxia-telangiectasia syndrome. Last evaluated: 2025-09-28. Review status: criteria provided, single submitter. Criteria: Invitae Variant Classification Sherloc (09022015). Collection method: clinical testing. Allele origin: germline.

Ambry Genetics
Classification: Likely benign for Hereditary cancer-predisposing syndrome. Last evaluated: 2025-02-08. Review status: criteria provided, single submitter. Criteria: Ambry Variant Classification Scheme 2023. Collection method: clinical testing. Allele origin: germline.

Myriad Genetics, Inc.
Classification: Benign for Familial cancer of breast. Last evaluated: 2024-04-23. Review status: criteria provided, single submitter. Criteria: Myriad Autosomal Dominant, Autosomal Recessive and X-Linked Classification Criteria (2023). Collection method: clinical testing. Allele origin: unknown.
Comment: This variant is considered benign. This variant is a silent/synonymous amino acid change and it is not expected to impact splicing.

GeneDx
Classification: Likely benign. Last evaluated: 2019-04-25. Review status: criteria provided, single submitter. Criteria: GeneDx Variant Classification Process June 2021. Collection method: clinical testing. Allele origin: germline. Affected: yes.
Comment: See Variant Classification Assertion Criteria.

Color Diagnostics, LLC DBA Color Health
Classification: Likely benign for Hereditary cancer-predisposing syndrome. Last evaluated: 2018-02-08. Review status: criteria provided, single submitter. Criteria: ACMG Guidelines, 2015. Collection method: clinical testing. Allele origin: germline.